The following is an entry in ClinVar:

ClinVar aggregate classification (germline): Likely pathogenic. Review status: criteria provided, multiple submitters, no conflicts (2 of 4 stars). 2 submissions from 2 submitters: Likely pathogenic (2). Last evaluated 2025-08-12.

Conditions:
Early-infantile DEE. Also called: Early infantile epileptic encephalopathy with suppression bursts; Early infantile epileptic encephalopathy; Ohtahara syndrome. Identifiers: Orphanet 1934, MedGen C0393706, MONDO:0800491.

Submissions (2):

GeneDx
Classification: Likely pathogenic. Last evaluated: 2025-08-12. Review status: criteria provided, single submitter. Criteria: GeneDx Variant Classification Process June 2021. Collection method: clinical testing. Allele origin: germline. Affected: yes.
Comment: Not observed at significant frequency in large population cohorts (gnomAD); In silico analysis supports that this missense variant has a deleterious effect on protein structure/function; This variant is associated with the following publications: (PMID: 39141400)

Labcorp Genetics (formerly Invitae), Labcorp
Classification: Likely pathogenic for Early-infantile DEE. Last evaluated: 2024-06-15. Review status: criteria provided, single submitter. Criteria: Invitae Variant Classification Sherloc (09022015). Collection method: clinical testing. Allele origin: germline.
Comment: This sequence change replaces methionine, which is neutral and non-polar, with valine, which is neutral and non-polar, at codon 211 of the KCNQ2 protein (p.Met211Val). This variant is not present in population databases (gnomAD no frequency). This missense change has been observed in individual(s) with clinical features of KCNQ2-related conditions (Invitae). ClinVar contains an entry for this variant (Variation ID: 392705). Advanced modeling of protein sequence and biophysical properties (such as structural, functional, and spatial information, amino acid conservation, physicochemical variation, residue mobility, and thermodynamic stability) performed at Invitae indicates that this missense variant is expected to disrupt KCNQ2 protein function with a positive predictive value of 95%. This variant disrupts the p.Met211 amino acid residue in KCNQ2. Other variant(s) that disrupt this residue have been determined to be pathogenic (Invitae). This suggests that this residue is clinically significant, and that variants that disrupt this residue are likely to be disease-causing. In summary, the currently available evidence indicates that the variant is pathogenic, but additional data are needed to prove that conclusively. Therefore, this variant has been classified as Likely Pathogenic.

NM_172107.4(KCNQ2):c.631A>G (p.Met211Val)

Gene: KCNQ2 (potassium voltage-gated channel subfamily Q member 2; minus strand). Cytogenetic location: 20q13.33.
Variant type: single nucleotide variant.
Coding change: c.631A>G on transcript NM_172107.4 (MANE Select); coding-DNA position 631, A replaced by G.
Protein change: p.Met211Val; replaces methionine 211 with valine.
Molecular consequence: missense variant.
Genome position (GRCh38, 1-based): chr20:63,444,718, T>C on the plus strand (A>G on the coding strand, the complement: KCNQ2 is on the minus strand). VCF-style: chr20-63444718-T-C. GRCh37 (hg19) VCF-style: chr20-62076071-T-C.
Other names: c.631A>G, p.Met211Val (NM_004518.6, NM_172106.3, NM_172108.5 and 1 more transcripts); short protein forms M211V.
Identifiers: ClinVar variation 392705 (VCV000392705.15), dbSNP rs1057524599, ClinGen allele CA16608425.